The following is an entry in ClinVar:

NM_003737.4(DCHS1):c.2382G>C (p.Gln794His)

Gene: DCHS1 (dachsous cadherin-related 1; minus strand). Cytogenetic location: 11p15.4.
Variant type: single nucleotide variant.
Coding change: c.2382G>C on transcript NM_003737.4 (MANE Select); coding-DNA position 2382, G replaced by C.
Protein change: p.Gln794His; replaces glutamine 794 with histidine.
Molecular consequence: missense variant.
Genome position (GRCh38, 1-based): chr11:6,633,485, C>G on the plus strand (G>C on the coding strand, the complement: DCHS1 is on the minus strand). VCF-style: chr11-6633485-C-G. GRCh37 (hg19) VCF-style: chr11-6654716-C-G.
Other names: short protein forms Q794H.
Identifiers: ClinVar variation 437929 (VCV000437929.30), dbSNP rs369091875, ClinGen allele CA5860742.

ClinVar aggregate classification (germline): Conflicting classifications of pathogenicity. Review status: criteria provided, conflicting classifications (1 of 4 stars). 6 submissions from 6 submitters: Uncertain significance (1); Benign (1); Likely benign (2). 2 of the submissions do not count toward it. Last evaluated 2026-08-01.

Conditions:
Van Maldergem syndrome 1 (VMLDS1). Also called: Van Maldergem syndrome 1 (VMLDS1). Identifiers: Orphanet 314679, MedGen C4551950, MONDO:0011070, OMIM 601390.

Allele frequency attached by ClinVar (database versions not stated): ESP Exome Variant Server 0.00008; gnomAD 0.00008 and 0.00029; TOPMed 0.00010; gnomAD exomes 0.00113; 1000 Genomes Project 30x 0.00219; 1000 Genomes Project 0.00220; ExAC 0.00269.
gnomAD v4.1: 738 of 1,579,028 alleles (0.047%); highest among the groups gnomAD compares: South Asian, 0.7%; 7 homozygotes.

Submissions (6):

CeGaT Center for Human Genetics Tuebingen
Classification: Likely benign. Last evaluated: 2026-08-01. Review status: criteria provided, single submitter. Criteria: CeGaT Center For Human Genetics Tuebingen Variant Classification Criteria Version 2. Collection method: clinical testing. Allele origin: germline. Affected: yes. Observed: 3 variant alleles.
Comment: DCHS1: BS2

Labcorp Genetics (formerly Invitae), Labcorp
Classification: Benign. Last evaluated: 2026-01-19. Review status: criteria provided, single submitter. Criteria: Invitae Variant Classification Sherloc (09022015). Collection method: clinical testing. Allele origin: germline.

Mendelics
Classification: Uncertain significance. Last evaluated: 2022-05-04. Review status: criteria provided, single submitter. Criteria: Mendelics Assertion Criteria 2019. Collection method: clinical testing. Allele origin: germline.

GeneDx
Classification: Likely benign. Last evaluated: 2019-11-06. Review status: criteria provided, single submitter. Criteria: GeneDx Variant Classification Process June 2021. Collection method: clinical testing. Allele origin: germline. Affected: yes.

Reproductive Health Research and Development, BGI Genomics
Classification: Uncertain significance for Van Maldergem syndrome 1. Last evaluated: 2020-01-06. Review status: no assertion criteria provided. Collection method: curation. Allele origin: germline. Not counted in ClinVar's aggregate classification.
Comment: NM_003737.2:c.2382G>C in the DCHS1 gene has an allele frequency of 0.008 in South Asian subpopulation in the gnomAD database. It has not been reported previously as a pathogenic variant nor as a benign variant. We interpret it as variant of uncertain significance (VUS). ACMG/AMP criteria applied: Null.

Foundation for Research in Genetics and Endocrinology, FRIGE's Institute of Human Genetics
Classification: Pathogenic for Van Maldergem syndrome 1. Last evaluated: 2016-03-05. Review status: no assertion criteria provided. Collection method: clinical testing. Allele origin: germline. Inheritance: Autosomal recessive inheritance. Affected: yes. Observed: 1 variant allele, 1 heterozygote. Not counted in ClinVar's aggregate classification.
Comment: This variant has been reported in 1000 Genomes and ExAC databases. This variant is predicted to be probably damaging by PolyPhen-2 and damaging by LRT and Mutation Taster.